The following is an entry in ClinVar:

NM_001868.4(CPA1):c.983A>C (p.Glu328Ala)

Gene: CPA1 (carboxypeptidase A1; plus strand). Cytogenetic location: 7q32.2.
Variant type: single nucleotide variant.
Coding change: c.983A>C on transcript NM_001868.4 (MANE Select); coding-DNA position 983, A replaced by C.
Protein change: p.Glu328Ala; replaces glutamic acid 328 with alanine.
Molecular consequence: missense variant.
Genome position (GRCh38, 1-based): chr7:130,385,341, A>C. VCF-style: chr7-130385341-A-C. GRCh37 (hg19) VCF-style: chr7-130025182-A-C.
Other names: short protein forms E328A.
Identifiers: ClinVar variation 1768351 (VCV001768351.2), dbSNP rs2536012458, ClinGen allele CA369283950.
Genomic context (GRCh38, chr7:130,385,341, plus strand): 5'-ACTCCCAGCTCCTCATGTATCCCTATGGCTACAAAACAGAACCAGTCCCTGACCAGGATG[A>C]GCTGGTAGGCACTGACCTCGGCTTGCCCCCTCGTCCCCAAGGTGGCTTCGGACAGGCCCA-3'
Protein context (NP_001859.1, residues 318-338): YKTEPVPDQD[Glu328Ala]LDQLSKAAVT

ClinVar aggregate classification (germline): Uncertain significance (1 of 4 stars; one submission).

Conditions:
Hereditary pancreatitis (PCTT). Also called: PRSS1-Related Hereditary Pancreatitis; Hereditary chronic pancreatitis. Identifiers: Orphanet 676, MedGen C0238339, MONDO:0008185, OMIM 167800.

Submission:

Ambry Genetics
Classification: Uncertain significance for Hereditary pancreatitis. Last evaluated: 2022-08-03. Review status: criteria provided, single submitter. Criteria: Ambry Variant Classification Scheme 2023. Collection method: clinical testing. Allele origin: germline.
Comment: The p.E328A variant (also known as c.983A>C), located in coding exon 8 of the CPA1 gene, results from an A to C substitution at nucleotide position 983. The glutamic acid at codon 328 is replaced by alanine, an amino acid with dissimilar properties. This amino acid position is conserved. In addition, the in silico prediction for this alteration is inconclusive. Since supporting evidence is limited at this time, the clinical significance of this alteration remains unclear.